The following is an entry in ClinVar:

NC_000023.10:g.(?_39911362)_(41782241_?)del

Genes: ATP6AP2 (ATPase H+ transporting accessory protein 2; plus strand), BCOR (BCL6 corepressor; minus strand), CASK (calcium/calmodulin dependent serine protein kinase; minus strand), CXorf38 (chromosome X open reading frame 38; minus strand), DDX3X (DEAD-box helicase 3 X-linked; plus strand) and 6 more. Cytogenetic location: Xp11.4.
Variant type: Deletion.
Identifiers: ClinVar variation 2423950 (VCV002423950.4).

ClinVar aggregate classification (germline): no classifications from unflagged records. Review status: no classifications from unflagged records (0 of 4 stars). 2 submissions from 1 submitter. 1 of the submissions does not count toward it. Last evaluated 2026-06-17.

Conditions:
Intellectual developmental disorder, X-linked, syndromic, Hedera type. Also called: Syndromic X-linked intellectual disability Hedera type. Identifiers: Orphanet 93952, MedGen C1845543, MONDO:0010319, OMIM 300423.

Submissions (2):

Labcorp Genetics (formerly Invitae), Labcorp
Classification: Pathogenic. Last evaluated: 2022-01-19. Review status: flagged submission. Criteria: Invitae Variant Classification Sherloc (09022015). Collection method: clinical testing. Allele origin: germline. Not counted in ClinVar's aggregate classification.
Comment: A gross deletion of the genomic region encompassing the full coding sequence of the DDX3X gene has been identified. Loss-of-function variants in DDX3X are known to be pathogenic (PMID: 26235985). The boundaries of this event are unknown as they extend beyond the assayed region for this gene and therefore may encompass additional genes. This variant has not been reported in the literature in individuals affected with DDX3X-related conditions. For these reasons, this variant has been classified as Pathogenic.
ClinVar note: Reason: This record appears to be redundant with a more recent record from the same submitter.
ClinVar note: Notes: SCV003792454 appears to be redundant with SCV003794881.

Labcorp Genetics (formerly Invitae), Labcorp
Classification: Uncertain significance for Intellectual developmental disorder, X-linked, syndromic, Hedera type. Last evaluated: 2022-01-19. Review status: flagged submission. Criteria: Invitae Variant Classification Sherloc (09022015). Collection method: clinical testing. Allele origin: germline.
Comment: A gross deletion of the genomic region encompassing the full coding sequence of the ATP6AP2 gene has been identified. The current clinical and genetic evidence is not sufficient to establish whether loss-of-function variants in ATP6AP2 cause disease. The boundaries of this event are unknown as they extend beyond the assayed region for this gene and therefore may encompass additional genes. This variant has not been reported in the literature in individuals affected with ATP6AP2-related conditions. In summary, the available evidence is currently insufficient to determine the role of this variant in disease. Therefore, it has been classified as a Variant of Uncertain Significance.
ClinVar note: Notes: This submission was flagged because its interpretation of this variant conflicts with the ClinGen Gene Dosage Map curations for the following genes: DDX3X NYX USP9X.
ClinVar note: Reason: Conflict with ClinGen Gene Dosage Map

Literature cited by the submitters: PubMed 26235985.